The following is an entry in ClinVar:

NM_001083116.3(PRF1):c.368G>C (p.Arg123Pro)

Gene: PRF1 (perforin 1; minus strand). Cytogenetic location: 10q22.1.
Variant type: single nucleotide variant.
Coding change: c.368G>C on transcript NM_001083116.3 (MANE Select); coding-DNA position 368, G replaced by C.
Protein change: p.Arg123Pro; replaces arginine 123 with proline.
Molecular consequence: missense variant.
Genome position (GRCh38, 1-based): chr10:70,600,535, C>G on the plus strand (G>C on the coding strand, the complement: PRF1 is on the minus strand). VCF-style: chr10-70600535-C-G. GRCh37 (hg19) VCF-style: chr10-72360291-C-G.
Other names: c.368G>C, p.Arg123Pro (NM_005041.6); short protein forms R123P.
Identifiers: ClinVar variation 5018231 (VCV005018231.1).

ClinVar aggregate classification (germline): Uncertain significance (1 of 4 stars; one submission).

gnomAD v4.1: 1 of 1,613,262 alleles (0.000062%); no homozygotes.

Submission:

GeneDx
Classification: Uncertain significance. Last evaluated: 2026-04-04. Review status: criteria provided, single submitter. Criteria: GeneDx Variant Classification Process June 2021. Collection method: clinical testing. Allele origin: germline.
Comment: In silico analysis suggests that this missense variant does not alter protein structure/function; Has not been previously published as pathogenic or benign to our knowledge